The following is an entry in ClinVar:

ClinVar aggregate classification (germline): Uncertain significance (1 of 4 stars; one submission).

Submission:

GeneDx
Classification: Uncertain significance. Last evaluated: 2014-03-18. Review status: criteria provided, single submitter. Criteria: GeneDx Variant Classification (06012015). Collection method: clinical testing. Allele origin: germline. Affected: yes.
Comment: c.444_446dupAGA: p.Glu149dup (E149dup) in exon 5 of the NDUFS4 gene (NM_002495.2). The normal sequence with the bases that are duplicated in braces is: TTGA{AGA}GAGG. c.444_446dupAGA in the NDUFS4 gene is a variant of unknown significance. It has not been published as a mutation, nor has it been reported as a benign polymorphism to our knowledge. Mutations in the NDUFS4 gene are associated with autosomal recessive mitochondrial complex I deficiency. This duplication of 3 nucleotides results in the duplication of a Glutamic Acid residue at amino acid position 149, denoted p.Glu149dup. Whether or not the duplication of a single amino acid affects the structure/function of the NDUFS4 protein is not known without functional studies. Therefore, based on the currently available information, it is unclear whether this variant is a pathogenic mutation or a rare benign variant. The variant is found in MITONUC-MITOP panel(s).

NM_002495.4(NDUFS4):c.444_446dup (p.Glu149dup)

Gene: NDUFS4 (NADH:ubiquinone oxidoreductase subunit S4; plus strand). Cytogenetic location: 5q11.2.
Variant type: Duplication.
Coding change: c.444_446dup on transcript NM_002495.4 (MANE Select); coding-DNA positions 444 to 446, 3 bases duplicated (AGA; older notation c.444_446dupAGA).
Protein change: p.Glu149dup; duplicates glutamic acid 149.
Molecular consequence: inframe insertion. On other transcripts: 3 prime UTR variant (1), non-coding transcript variant (3).
Genome position (GRCh38, 1-based): chr5:53,683,137-53,683,139, AGA duplicated; duplicating any 3 consecutive bases within chr5:53,683,135-53,683,139 gives the same sequence; the c. name uses the placement nearest the transcript's 3' end. VCF-style (leftmost placement, unchanged base first): chr5-53683134-T-TGAA. GRCh37 (hg19) VCF-style: chr5-52978964-T-TGAA.
Other names: c.*7_*9dup (NM_001318051.2).
Identifiers: ClinVar variation 214816 (VCV000214816.1), dbSNP rs1325068600, ClinGen allele CA320173.
Genomic context (GRCh38, chr5:53,683,134, plus strand): 5'-TTTAATTCTGTTTCTGTGGATTTGTCTTTGTTTTTTCCTCCTAGGATGGAGCTATGACAT[T>TGAA]GAAGAGAGGAAGGTTCCAAAACCCAAGTCCAAGTCTTATGGTGCAAACTTTTCTTGGAAC-3'